The following is an entry in ClinVar:

NM_000533.5(PLP1):c.697-54_711delinsTTTATT

Genes: PLP1 (proteolipid protein 1; plus strand), RAB9B (RAB9B, member RAS oncogene family; minus strand). Cytogenetic location: Xq22.2.
Variant type: Indel.
Coding change: c.697-54_711delinsTTTATT on transcript NM_000533.5 (MANE Select); 54 bases into the intron before coding-DNA position 697 through coding-DNA position 711, the reference bases replaced by TTTATT.
Molecular consequence: splice acceptor variant.
Genome position (GRCh38, 1-based): chrX:103,789,279-103,789,347, 69 bases replaced. GRCh37 (hg19): chrX:103,044,208-103,044,276.
Other names: c.697-54_711delinsTTTATT (NM_001128834.3); c.592-54_606delinsTTTATT (NM_199478.3); c.532-54_546delinsTTTATT (NM_001305004.1).
Identifiers: ClinVar variation 3338101 (VCV003338101.2).

ClinVar aggregate classification (germline): Likely pathogenic (1 of 4 stars; one submission).

Conditions:
Pelizaeus-Merzbacher disease. Also called: Pelizeaus-Merzbacher spectrum disorder; Sudanophilic leukodystrophy; Pelizaeus-Merzbacher spectrum disorder; Pelizaeus-Merzbacher Disease (PMD); LEUKODYSTROPHY, HYPOMYELINATING, 1. Identifiers: Orphanet 702, MedGen C0205711, MONDO:0010714, OMIM 312080, HP:0003269.

Submission:

Molecular Diagnostics Lab, Nemours Children's Health, Delaware
Classification: Likely pathogenic for Pelizaeus-Merzbacher disease. Last evaluated: 2024-08-22. Review status: criteria provided, single submitter. Criteria: ACMG Guidelines, 2015. Collection method: clinical testing. Allele origin: unknown. Inheritance: X-linked inheritance. Affected: yes. Observed: 1 hemizygote.
Comment: This variant describes an indel within intron 5 that extends into exon 6. It has not been observed in population databases (gnomAD) or reported in the literature.